The following is an entry in ClinVar:

NM_001101362.3(KBTBD13):c.1366del (p.Ala456fs)

Gene: KBTBD13 (kelch repeat and BTB domain containing 13; plus strand). Cytogenetic location: 15q22.31.
Variant type: Deletion.
Coding change: c.1366del on transcript NM_001101362.3 (MANE Select); coding-DNA position 1366, one base deleted (G; older notation c.1366delG).
Protein change: p.Ala456fs; shifts the reading frame from alanine 456.
Molecular consequence: frameshift variant.
Genome position (GRCh38, 1-based): chr15:65,078,181, G deleted; the last of 2 consecutive G bases (chr15:65,078,180-65,078,181); deleting either gives the same sequence. VCF-style (leftmost placement, unchanged base first): chr15-65078179-CG-C. GRCh37 (hg19) VCF-style: chr15-65370517-CG-C.
Other names: short protein forms A456fs.
Identifiers: ClinVar variation 2992564 (VCV002992564.3), dbSNP rs767621440, ClinGen allele CA271505051.

ClinVar aggregate classification (germline): Uncertain significance (1 of 4 stars; one submission).

Conditions:
Nemaline myopathy 6 (NEM6). Also called: Nemaline myopathy 6, autosomal dominant. Identifiers: Orphanet 171439, MedGen C1836472, MONDO:0012237, OMIM 609273.

Submission:

Labcorp Genetics (formerly Invitae), Labcorp
Classification: Uncertain significance for Nemaline myopathy 6. Last evaluated: 2025-06-12. Review status: criteria provided, single submitter. Criteria: Invitae Variant Classification Sherloc (09022015). Collection method: clinical testing. Allele origin: germline.
Comment: This sequence change creates a premature translational stop signal (p.Ala456Glnfs*26) in the KBTBD13 gene. While this is not anticipated to result in nonsense mediated decay, it is expected to disrupt the last 3 amino acid(s) of the KBTBD13 protein. This variant is present in population databases (rs767621440, gnomAD 0.008%). This variant has not been reported in the literature in individuals affected with KBTBD13-related conditions. ClinVar contains an entry for this variant (Variation ID: 2992564). In summary, the available evidence is currently insufficient to determine the role of this variant in disease. Therefore, it has been classified as a Variant of Uncertain Significance.